The following is an entry in ClinVar:

ClinVar aggregate classification (germline): Pathogenic (1 of 4 stars; one submission).

Conditions:
Autosomal dominant nonsyndromic hearing loss 10. Identifiers: Orphanet 90635, MedGen C1832476, MONDO:0011031, OMIM 601316.

Submission:

Precision Medicine Center, Zhengzhou University
Classification: Pathogenic for Autosomal dominant nonsyndromic hearing loss 10. Last evaluated: 2006-06-30. Review status: criteria provided, single submitter. Criteria: ClinGen HL ACMG Specifications v1. Collection method: clinical testing. Allele origin: maternal. Affected: yes.
Comment: PVS1+PM2+PP1_strong: The EYA4 c.1073del variant is a frameshift variant predicted to result in a premature termination codon and loss of normal protein function via nonsense-mediated decay (PVS1). Segregation in five affected relatives for dominant (PP1_Strong). According to the ACMG/AMP guidelines, this variant is classified as Pathogenic.

Literature cited by the submitters: PubMed 30192042.

NM_004100.5(EYA4):c.1073del (p.Asn358fs)

Gene: EYA4 (EYA transcriptional coactivator and phosphatase 4; plus strand). Cytogenetic location: 6q23.2.
Variant type: Deletion.
Coding change: c.1073del on transcript NM_004100.5 (MANE Select); coding-DNA position 1073, one base deleted (A; older notation c.1073delA).
Protein change: p.Asn358fs; shifts the reading frame from asparagine 358.
Molecular consequence: frameshift variant.
Genome position (GRCh38, 1-based): chr6:133,481,565, A deleted; the last of 5 consecutive A bases (chr6:133,481,561-133,481,565); deleting any one gives the same sequence. VCF-style (leftmost placement, unchanged base first): chr6-133481560-GA-G. GRCh37 (hg19) VCF-style: chr6-133802698-GA-G.
Other names: c.911del, p.Asn304fs (NM_001301012.2); c.1091del, p.Asn364fs (NM_001301013.2); c.1004del, p.Asn335fs (NM_001370458.1, NM_172103.4); c.929del, p.Asn310fs (NM_001370459.1); c.1073del, p.Asn358fs (NM_172105.4); short protein forms N304fs, N310fs, N335fs, N358fs, N364fs.
Identifiers: ClinVar variation 4857392 (VCV004857392.1).
Genomic context (GRCh38, chr6:133,481,560, plus strand): 5'-CAAAGATCTTGATGAGAGAACCTGTAGGAGTTCTGGGTCAAAGTCCAGAGGAAGAGGCCG[GA>G]AAAATAATCCCTCCCCGCCTCCTGATAGTGACCTGGAGGTATGCCTACTCATTCTTAAAG-3'